The following is an entry in ClinVar:

ClinVar aggregate classification (germline): Uncertain significance. Review status: criteria provided, multiple submitters, no conflicts (2 of 4 stars). 3 submissions from 3 submitters: Uncertain significance (3). Last evaluated 2026-02-22.

Conditions:
Cardiovascular phenotype. Identifiers: MedGen CN230736.
Ehlers-Danlos syndrome, classic type, 1 (EDSCL1). Also called: EHLERS-DANLOS SYNDROME, GRAVIS TYPE; EHLERS-DANLOS SYNDROME, SEVERE CLASSIC TYPE; Ehlers-Danlos syndrome, type 1; Ehlers-Danlos Syndrome, Classic Type, COL5A1-Related; EDS I. Identifiers: MedGen C0268335, MONDO:0019567, OMIM 130000.
Osteogenesis imperfecta type I (OI1). Also called: OI, TYPE I; OSTEOGENESIS IMPERFECTA TARDA; OSTEOGENESIS IMPERFECTA WITH BLUE SCLERAE; Osteogenesis imperfecta type 1; Lobstein's Disease; Lobstein disease. Identifiers: Orphanet 216796, Orphanet 666, MedGen C0023931, MONDO:0008146, OMIM 166200. Disease mechanism: loss of function.

Allele frequency attached by ClinVar (database versions not stated): gnomAD exomes 0.00001; gnomAD 0.00002; TOPMed 0.00003.
gnomAD v4.1: 19 of 1,613,846 alleles (0.0012%); highest among the groups gnomAD compares: East Asian, 0.0022%; no homozygotes.

Submissions (3):

Ambry Genetics
Classification: Uncertain significance for Cardiovascular phenotype. Last evaluated: 2026-02-22. Review status: criteria provided, single submitter. Criteria: Ambry Variant Classification Scheme 2023. Collection method: clinical testing. Allele origin: germline.
Comment: The p.R1338H variant (also known as c.4013G>A), located in coding exon 52 of the COL1A2 gene, results from a G to A substitution at nucleotide position 4013. The arginine at codon 1338 is replaced by histidine, an amino acid with highly similar properties. This amino acid position is conserved. In addition, this alteration is predicted to be deleterious by in silico analysis. Based on the available evidence, the clinical significance of this variant remains unclear.

Labcorp Genetics (formerly Invitae), Labcorp
Classification: Uncertain significance for Osteogenesis imperfecta type I; Ehlers-Danlos syndrome, classic type, 1. Last evaluated: 2024-05-13. Review status: criteria provided, single submitter. Criteria: Invitae Variant Classification Sherloc (09022015). Collection method: clinical testing. Allele origin: germline.
Comment: This sequence change replaces arginine, which is basic and polar, with histidine, which is basic and polar, at codon 1338 of the COL1A2 protein (p.Arg1338His). This variant is present in population databases (rs748714040, gnomAD 0.003%). This variant has not been reported in the literature in individuals affected with COL1A2-related conditions. ClinVar contains an entry for this variant (Variation ID: 1463705). Advanced modeling of protein sequence and biophysical properties (such as structural, functional, and spatial information, amino acid conservation, physicochemical variation, residue mobility, and thermodynamic stability) has been performed at Invitae for this missense variant, however the output from this modeling did not meet the statistical confidence thresholds required to predict the impact of this variant on COL1A2 protein function. In summary, the available evidence is currently insufficient to determine the role of this variant in disease. Therefore, it has been classified as a Variant of Uncertain Significance.

GeneDx
Classification: Uncertain significance. Last evaluated: 2023-06-05. Review status: criteria provided, single submitter. Criteria: GeneDx Variant Classification Process June 2021. Collection method: clinical testing. Allele origin: germline. Affected: yes.
Comment: In silico analysis supports that this missense variant has a deleterious effect on protein structure/function; Has not been previously published as pathogenic or benign to our knowledge; Not located in the triple helical region, where the majority of pathogenic missense variants occur (HGMD)

NM_000089.4(COL1A2):c.4013G>A (p.Arg1338His)

Gene: COL1A2 (collagen type I alpha 2 chain; plus strand). Cytogenetic location: 7q21.3.
Variant type: single nucleotide variant.
Coding change: c.4013G>A on transcript NM_000089.4 (MANE Select); coding-DNA position 4013, G replaced by A.
Protein change: p.Arg1338His; replaces arginine 1338 with histidine.
Molecular consequence: missense variant.
Genome position (GRCh38, 1-based): chr7:94,430,305, G>A. VCF-style: chr7-94430305-G-A. GRCh37 (hg19) VCF-style: chr7-94059617-G-A.
Other names: c.4013G>A (NM_000089.3); short protein forms R1338H.
Identifiers: ClinVar variation 1463705 (VCV001463705.8), dbSNP rs748714040, ClinGen allele CA4347905.